The following is an entry in ClinVar:

ClinVar aggregate classification (germline): Uncertain significance (1 of 4 stars; one submission).

Conditions:
Emery-Dreifuss muscular dystrophy 4, autosomal dominant (EDMD4). Also called: EMERY-DREIFUSS MUSCULAR DYSTROPHY 4 WITH VARIABLE FEATURES. Identifiers: Orphanet 261, MedGen C2751807, MONDO:0013071, OMIM 612998.
Autosomal recessive ataxia, Beauce type. Also called: Spinocerebellar ataxia, autosomal recessive 8; ATAXIA, RECESSIVE, OF BEAUCE; SYNE1 Deficiency; SYNE1-Related Autosomal Recessive Cerebellar Ataxia. Identifiers: Orphanet 88644, MedGen C1853116, MONDO:0012549, OMIM 610743.

Submission:

Labcorp Genetics (formerly Invitae), Labcorp
Classification: Uncertain significance for Emery-Dreifuss muscular dystrophy 4, autosomal dominant; Autosomal recessive ataxia, Beauce type. Last evaluated: 2020-02-21. Review status: criteria provided, single submitter. Criteria: Invitae Variant Classification Sherloc (09022015). Collection method: clinical testing. Allele origin: germline.
Comment: This sequence change replaces tyrosine with asparagine at codon 517 of the SYNE1 protein (p.Tyr517Asn). The tyrosine residue is highly conserved and there is a large physicochemical difference between tyrosine and asparagine. In summary, the available evidence is currently insufficient to determine the role of this variant in disease. Therefore, it has been classified as a Variant of Uncertain Significance. Algorithms developed to predict the effect of missense changes on protein structure and function are either unavailable or do not agree on the potential impact of this missense change (SIFT: "Deleterious"; PolyPhen-2: "Probably Damaging"; Align-GVGD: "Class C0"). This variant has not been reported in the literature in individuals with SYNE1-related conditions. This variant is not present in population databases (ExAC no frequency).

NM_182961.4(SYNE1):c.1528T>A (p.Tyr510Asn)

Gene: SYNE1 (spectrin repeat containing nuclear envelope protein 1; minus strand). Cytogenetic location: 6q25.2.
Variant type: single nucleotide variant.
Coding change: c.1528T>A on transcript NM_182961.4 (MANE Select); coding-DNA position 1528, T replaced by A.
Protein change: p.Tyr510Asn; replaces tyrosine 510 with asparagine.
Molecular consequence: missense variant.
Genome position (GRCh38, 1-based): chr6:152,471,701, A>T on the plus strand (T>A on the coding strand, the complement: SYNE1 is on the minus strand). VCF-style: chr6-152471701-A-T. GRCh37 (hg19) VCF-style: chr6-152792836-A-T.
Other names: c.1549T>A, p.Tyr517Asn (NM_033071.5); short protein forms Y510N, Y517N.
Identifiers: ClinVar variation 1057252 (VCV001057252.9), dbSNP rs2154279114, ClinGen allele CA366133266.